The following is an entry in ClinVar:

ClinVar aggregate classification (germline): Uncertain significance. Review status: criteria provided, multiple submitters, no conflicts (2 of 4 stars). 3 submissions from 3 submitters: Uncertain significance (3). Last evaluated 2024-06-11.

Conditions:
Cenani-Lenz syndactyly syndrome. Also called: CENANI SYNDACTYLISM; SYNDACTYLY, TYPE VII. Identifiers: Orphanet 3258, MedGen C1859309, MONDO:0008931, OMIM 212780.
Sclerosteosis 2 (SOST2). Identifiers: Orphanet 3152, MedGen C3280402, MONDO:0013679, OMIM 614305.
Congenital myasthenic syndrome 17. Identifiers: Orphanet 590, MedGen C4225377, MONDO:0014578, OMIM 616304.
Inborn genetic diseases. Identifiers: MedGen C0950123, MeSH D030342.

Allele frequency attached by ClinVar (database versions not stated): gnomAD 0.00003 and 0.00004; TOPMed 0.00005.
gnomAD v4.1: 6 of 1,614,124 alleles (0.00037%); highest among the groups gnomAD compares: Admixed American, 0.0083%; no homozygotes.

Submissions (3):

Fulgent Genetics
Classification: Uncertain significance for Cenani-Lenz syndactyly syndrome; Sclerosteosis 2; Congenital myasthenic syndrome 17. Last evaluated: 2024-06-11. Review status: criteria provided, single submitter. Criteria: ACMG Guidelines, 2015. Collection method: clinical testing. Allele origin: germline.

Ambry Genetics
Classification: Uncertain significance for Inborn genetic diseases. Last evaluated: 2024-01-08. Review status: criteria provided, single submitter. Criteria: Ambry Variant Classification Scheme 2023. Collection method: clinical testing. Allele origin: germline.

Labcorp Genetics (formerly Invitae), Labcorp
Classification: Uncertain significance for Cenani-Lenz syndactyly syndrome; Sclerosteosis 2; Congenital myasthenic syndrome 17. Last evaluated: 2022-12-31. Review status: criteria provided, single submitter. Criteria: Invitae Variant Classification Sherloc (09022015). Collection method: clinical testing. Allele origin: germline.
Comment: Advanced modeling of protein sequence and biophysical properties (such as structural, functional, and spatial information, amino acid conservation, physicochemical variation, residue mobility, and thermodynamic stability) performed at Invitae indicates that this missense variant is not expected to disrupt LRP4 protein function. In summary, the available evidence is currently insufficient to determine the role of this variant in disease. Therefore, it has been classified as a Variant of Uncertain Significance. ClinVar contains an entry for this variant (Variation ID: 1356491). This variant has not been reported in the literature in individuals affected with LRP4-related conditions. This variant is not present in population databases (gnomAD no frequency). This sequence change replaces glycine, which is neutral and non-polar, with valine, which is neutral and non-polar, at codon 1012 of the LRP4 protein (p.Gly1012Val).

NM_002334.4(LRP4):c.3035G>T (p.Gly1012Val)

Gene: LRP4 (LDL receptor related protein 4; minus strand). Cytogenetic location: 11p11.2.
Variant type: single nucleotide variant.
Coding change: c.3035G>T on transcript NM_002334.4 (MANE Select); coding-DNA position 3035, G replaced by T.
Protein change: p.Gly1012Val; replaces glycine 1012 with valine.
Molecular consequence: missense variant.
Genome position (GRCh38, 1-based): chr11:46,879,008, C>A on the plus strand (G>T on the coding strand, the complement: LRP4 is on the minus strand). VCF-style: chr11-46879008-C-A. GRCh37 (hg19) VCF-style: chr11-46900559-C-A.
Other names: c.3035G>T (NM_002334.3); short protein forms G1012V.
Identifiers: ClinVar variation 1356491 (VCV001356491.9), dbSNP rs748636802, ClinGen allele CA221630671.
Genomic context (GRCh38, chr11:46,879,008, plus strand): 5'-GTGGGGCAGGTACAGCTGAATCCGCTTGGATTTGGGGACCTAAGACACAGGTGGCTACAG[C>A]CGCCATTCTCCATAGCACATGGTGTAGACACTGGGTAGAGAGGAGGGGATGTTCAATGGG-3'
Protein context (NP_002325.2, residues 1002-1022): VSTPCAMENG[Gly1012Val]CSHLCLRSPN